The following is an entry in ClinVar:

NM_003579.4(RAD54L):c.7A>T (p.Arg3Trp)

Gene: RAD54L (RAD54 like; plus strand). Cytogenetic location: 1p34.1.
Variant type: single nucleotide variant.
Coding change: c.7A>T on transcript NM_003579.4 (MANE Select); coding-DNA position 7, A replaced by T.
Protein change: p.Arg3Trp; replaces arginine 3 with tryptophan.
Molecular consequence: missense variant. On other transcripts: 5 prime UTR variant (1).
Genome position (GRCh38, 1-based): chr1:46,248,515, A>T. VCF-style: chr1-46248515-A-T. GRCh37 (hg19) VCF-style: chr1-46714187-A-T.
Other names: c.7A>T, p.Arg3Trp (NM_001142548.2); c.-534A>T (NM_001370766.1); short protein forms R3W.
Identifiers: ClinVar variation 2625163 (VCV002625163.2), dbSNP rs2525626463, ClinGen allele CA340173766.

ClinVar aggregate classification (germline): Uncertain significance (1 of 4 stars; one submission).

Submission:

Ambry Genetics
Classification: Uncertain significance. Last evaluated: 2023-08-25. Review status: criteria provided, single submitter. Criteria: Ambry Variant Classification Scheme 2023. Collection method: clinical testing. Allele origin: germline.
Comment: The p.R3W variant (also known as c.7A>T), located in coding exon 2 of the RAD54L gene, results from an A to T substitution at nucleotide position 7. The arginine at codon 3 is replaced by tryptophan, an amino acid with dissimilar properties. This amino acid position is conserved. In addition, the in silico prediction for this alteration is inconclusive. Since supporting evidence is limited at this time, the clinical significance of this alteration remains unclear.